The following is an entry in ClinVar:

ClinVar aggregate classification (germline): Likely benign. Review status: criteria provided, multiple submitters, no conflicts (2 of 4 stars). 2 submissions from 2 submitters: Likely benign (2). Last evaluated 2025-11-23.

Conditions:
Alpha thalassemia-X-linked intellectual disability syndrome (ATRX). Also called: ALPHA-THALASSEMIA/MENTAL RETARDATION SYNDROME, X-LINKED; ATR, NONDELETION TYPE; X-linked alpha-thalassemia-mental retardation syndrome; ATR-X syndrome; Alpha thalassemia mental retardation syndrome, nondeletion type, X-linked; XLMR hypotonic face syndrome. Identifiers: Orphanet 847, MedGen C1845055, MONDO:0010519, OMIM 301040.

Allele frequency attached by ClinVar (database versions not stated): gnomAD 0.00003 and 0.00002; gnomAD exomes 0.00001; TOPMed 0.00003.
gnomAD v4.1: 23 of 1,133,760 alleles (0.002%); highest among the groups gnomAD compares: Middle Eastern, 0.025%; no homozygotes.

Submissions (2):

Labcorp Genetics (formerly Invitae), Labcorp
Classification: Likely benign for Alpha thalassemia-X-linked intellectual disability syndrome. Last evaluated: 2025-11-23. Review status: criteria provided, single submitter. Criteria: Invitae Variant Classification Sherloc (09022015). Collection method: clinical testing. Allele origin: germline.

Women's Health and Genetics/Laboratory Corporation of America, LabCorp
Classification: Likely benign. Last evaluated: 2023-10-17. Review status: criteria provided, single submitter. Criteria: LabCorp Variant Classification Summary - May 2015. Collection method: clinical testing. Allele origin: germline.
Comment: Variant summary: ATRX c.6327-16A>G alters a non-conserved nucleotide located at a position not widely known to affect splicing. Consensus agreement among computation tools predict no significant impact on normal splicing. However, these predictions have yet to be confirmed by functional studies. The variant allele was found at a frequency of 5.7e-06 in 176453 control chromosomes (gnomAD). The available data on variant occurrences in the general population are insufficient to allow any conclusion about variant significance. To our knowledge, no occurrence of c.6327-16A>G in individuals affected with ATR-X Syndrome and no experimental evidence demonstrating its impact on protein function have been reported. One submitter has cited a clinical-significance assessment for this variant to ClinVar after 2014 and has classified the variant as likely benign. Based on the evidence outlined above, the variant was classified as likely benign.

NM_000489.6(ATRX):c.6327-16A>G

Gene: ATRX (ATRX chromatin remodeler; minus strand). Cytogenetic location: Xq21.1.
Variant type: single nucleotide variant.
Coding change: c.6327-16A>G on transcript NM_000489.6 (MANE Select); 16 bases into the intron before coding-DNA position 6327, A replaced by G.
Molecular consequence: intron variant.
Genome position (GRCh38, 1-based): chrX:77,558,862, T>C on the plus strand (A>G on the coding strand, the complement: ATRX is on the minus strand). VCF-style: chrX-77558862-T-C. GRCh37 (hg19) VCF-style: chrX-76814333-T-C.
Other names: c.6213-16A>G (NM_138270.5).
Identifiers: ClinVar variation 1658079 (VCV001658079.9), dbSNP rs1457254023, ClinGen allele CA642692591.
Genomic context (GRCh38, chrX:77,558,862, plus strand): 5'-ATTCCTAGAGATCCTGCTTTAGTAGAAATGATAAATAATCGTCCTCTGAAAATGAAAATA[T>C]AGAATAAATGCTTCAGTAATTAGTACTTTACAAATATTTTAATTACAATATGACTTTTTG-3'